The following is an entry in ClinVar:

NM_001848.3(COL6A1):c.1210G>A (p.Gly404Arg)

Gene: COL6A1 (collagen type VI alpha 1 chain; plus strand). Cytogenetic location: 21q22.3.
Variant type: single nucleotide variant.
Coding change: c.1210G>A on transcript NM_001848.3 (MANE Select); coding-DNA position 1210, G replaced by A.
Protein change: p.Gly404Arg; replaces glycine 404 with arginine.
Molecular consequence: missense variant.
Genome position (GRCh38, 1-based): chr21:45,992,191, G>A. VCF-style: chr21-45992191-G-A. GRCh37 (hg19) VCF-style: chr21-47412105-G-A.
Other names: short protein forms G404R.
Identifiers: ClinVar variation 2914244 (VCV002914244.4), dbSNP rs1491002060, ClinGen allele CA410525375.

ClinVar aggregate classification (germline): Uncertain significance. Review status: criteria provided, multiple submitters, no conflicts (2 of 4 stars). 2 submissions from 2 submitters: Uncertain significance (2). Last evaluated 2022-12-31.

Conditions:
Bethlem myopathy 1A. Also called: MYOPATHY, BENIGN CONGENITAL, WITH CONTRACTURES; Bethlem myopathy 1; Bethlem Muscular Dystrophy. Identifiers: Orphanet 610, MedGen CN029274, MONDO:0024530, OMIM 158810.

Allele frequency attached by ClinVar (database versions not stated): TOPMed below 0.00001; gnomAD exomes 0.00002.
gnomAD v4.1: 23 of 1,613,786 alleles (0.0014%); highest among the groups gnomAD compares: Non-Finnish European, 0.0019%; no homozygotes.

Submissions (2):

Labcorp Genetics (formerly Invitae), Labcorp
Classification: Uncertain significance for Bethlem myopathy 1A. Last evaluated: 2022-12-31. Review status: criteria provided, single submitter. Criteria: Invitae Variant Classification Sherloc (09022015). Collection method: clinical testing. Allele origin: germline.
Comment: In summary, the available evidence is currently insufficient to determine the role of this variant in disease. Therefore, it has been classified as a Variant of Uncertain Significance. This variant disrupts the triple helix domain of COL6A1. Glycine residues within the Gly-Xaa-Yaa repeats of the triple helix domain are required for the structure and stability of fibrillar collagens (PMID: 7695699, 8218237, 19344236). In COL6A1, variants at these glycine residues are significantly enriched in individuals with autosomal dominant disease (PMID: 15689448, 24038877) compared to the general population (ExAC). Advanced modeling of protein sequence and biophysical properties (such as structural, functional, and spatial information, amino acid conservation, physicochemical variation, residue mobility, and thermodynamic stability) performed at Invitae indicates that this missense variant is expected to disrupt COL6A1 protein function. This variant has not been reported in the literature in individuals affected with COL6A1-related conditions. This variant is present in population databases (no rsID available, gnomAD 0.0009%). This sequence change replaces glycine, which is neutral and non-polar, with arginine, which is basic and polar, at codon 404 of the COL6A1 protein (p.Gly404Arg).

Kariminejad - Najmabadi Pathology & Genetics Center
Classification: Uncertain significance. Last evaluated: 2018-10-14. Review status: criteria provided, single submitter. Criteria: ACMG Guidelines, 2015. Collection method: clinical testing. Allele origin: germline. Inheritance: Autosomal dominant inheritance. Affected: yes.
Comment: PM1, PM2, PP3

Literature cited by the submitters: PubMed 7695699 (cited by Labcorp Genetics (formerly Invitae), Labcorp); PubMed 8218237 (cited by Labcorp Genetics (formerly Invitae), Labcorp); PubMed 19344236 (cited by Labcorp Genetics (formerly Invitae), Labcorp); PubMed 15689448 (cited by Labcorp Genetics (formerly Invitae), Labcorp); PubMed 24038877 (cited by Labcorp Genetics (formerly Invitae), Labcorp).